The following is an entry in ClinVar:

NM_005475.3(SH2B3):c.1331C>T (p.Ser444Leu)

Gene: SH2B3 (SH2B adaptor protein 3; plus strand). Cytogenetic location: 12q24.12.
Variant type: single nucleotide variant.
Coding change: c.1331C>T on transcript NM_005475.3 (MANE Select); coding-DNA position 1331, C replaced by T.
Protein change: p.Ser444Leu; replaces serine 444 with leucine.
Molecular consequence: missense variant.
Genome position (GRCh38, 1-based): chr12:111,447,750, C>T. VCF-style: chr12-111447750-C-T. GRCh37 (hg19) VCF-style: chr12-111885554-C-T.
Other names: c.725C>T, p.Ser242Leu (NM_001291424.1); short protein forms S444L, S242L.
Identifiers: ClinVar variation 2351660 (VCV002351660.3), dbSNP rs768630945, ClinGen allele CA6789954.

ClinVar aggregate classification (germline): Uncertain significance (1 of 4 stars; one submission).

Conditions:
Inborn genetic diseases. Identifiers: MedGen C0950123, MeSH D030342.

Allele frequency attached by ClinVar (database versions not stated): gnomAD 0.00001; gnomAD exomes 0.00001; ExAC 0.00002; TOPMed 0.00005.
gnomAD v4.1: 17 of 1,614,108 alleles (0.0011%); highest among the groups gnomAD compares: African/African-American, 0.004%; no homozygotes.

Submission:

Ambry Genetics
Classification: Uncertain significance for Inborn genetic diseases. Last evaluated: 2025-01-20. Review status: criteria provided, single submitter. Criteria: Ambry Variant Classification Scheme 2023. Collection method: clinical testing. Allele origin: germline.
Comment: The p.S444L variant (also known as c.1331C>T), located in coding exon 6 of the SH2B3 gene, results from a C to T substitution at nucleotide position 1331. The serine at codon 444 is replaced by leucine, an amino acid with dissimilar properties. This amino acid position is conserved. In addition, this alteration is predicted to be tolerated by in silico analysis. Based on the available evidence, the clinical significance of this variant remains unclear.